The following is an entry in ClinVar:

NM_004304.5(ALK):c.4165G>C (p.Asp1389His)

Gene: ALK (ALK receptor tyrosine kinase; minus strand). Cytogenetic location: 2p23.2.
Variant type: single nucleotide variant.
Coding change: c.4165G>C on transcript NM_004304.5 (MANE Select); coding-DNA position 4165, G replaced by C.
Protein change: p.Asp1389His; replaces aspartic acid 1389 with histidine.
Molecular consequence: missense variant.
Genome position (GRCh38, 1-based): chr2:29,193,922, C>G on the plus strand (G>C on the coding strand, the complement: ALK is on the minus strand). VCF-style: chr2-29193922-C-G. GRCh37 (hg19) VCF-style: chr2-29416788-C-G.
Other names: c.961G>C, p.Asp321His (NM_001353765.2); short protein forms D1389H, D321H.
Identifiers: ClinVar variation 1365573 (VCV001365573.6), dbSNP rs2148139191, ClinGen allele CA346463680.

ClinVar aggregate classification (germline): Uncertain significance (1 of 4 stars; one submission).

Conditions:
Neuroblastoma, susceptibility to, 3. Also called: ALK-Related Neuroblastic Tumor Susceptibility. Identifiers: Orphanet 635, MedGen C2751681, MONDO:0013083, OMIM 613014.

Submission:

Labcorp Genetics (formerly Invitae), Labcorp
Classification: Uncertain significance for Neuroblastoma, susceptibility to, 3. Last evaluated: 2021-07-07. Review status: criteria provided, single submitter. Criteria: Invitae Variant Classification Sherloc (09022015). Collection method: clinical testing. Allele origin: germline.
Comment: In summary, the available evidence is currently insufficient to determine the role of this variant in disease. Therefore, it has been classified as a Variant of Uncertain Significance. Algorithms developed to predict the effect of sequence changes on RNA splicing suggest that this variant may disrupt the consensus splice site. Algorithms developed to predict the effect of missense changes on protein structure and function are either unavailable or do not agree on the potential impact of this missense change (SIFT: "Deleterious"; PolyPhen-2: "Probably Damaging"; Align-GVGD: "Class C0"). This variant has not been reported in the literature in individuals affected with ALK-related conditions. This variant is not present in population databases (ExAC no frequency). This sequence change replaces aspartic acid with histidine at codon 1389 of the ALK protein (p.Asp1389His). The aspartic acid residue is highly conserved and there is a moderate physicochemical difference between aspartic acid and histidine.